The following is an entry in ClinVar:

ClinVar aggregate classification (germline): Likely benign. Review status: criteria provided, multiple submitters, no conflicts (2 of 4 stars). 3 submissions from 3 submitters: Likely benign (2). 1 of the submissions does not count toward it. Last evaluated 2025-07-09.

Conditions:
Spermatogenic failure 18. Identifiers: MedGen C4539783, MONDO:0054615, OMIM 617576.
Ciliary dyskinesia, primary, 37 (CILD37). Also called: CILIARY DYSKINESIA, PRIMARY, 37, WITH OR WITHOUT SITUS INVERSUS. Identifiers: MedGen C4539798, MONDO:0033204, OMIM 617577.
DNAH1-related disorder. Also called: DNAH1-related condition.

Allele frequency attached by ClinVar (database versions not stated): gnomAD exomes 0.00016; ESP Exome Variant Server 0.00023; ExAC 0.00018; gnomAD 0.00013; TOPMed 0.00013.
gnomAD v4.1: 138 of 1,613,524 alleles (0.0086%); highest among the groups gnomAD compares: South Asian, 0.011%; no homozygotes.

Submissions (3):

Labcorp Genetics (formerly Invitae), Labcorp
Classification: Likely benign for Ciliary dyskinesia, primary, 37; Spermatogenic failure 18. Last evaluated: 2025-07-09. Review status: criteria provided, single submitter. Criteria: Invitae Variant Classification Sherloc (09022015). Collection method: clinical testing. Allele origin: germline.

Breakthrough Genomics
Classification: Likely benign. Review status: criteria provided, single submitter. Criteria: ACMG Guidelines, 2015. Collection method: not provided. Allele origin: germline. Inheritance: Autosomal recessive inheritance. Affected: yes.

PreventionGenetics, part of Exact Sciences
Classification: Likely benign for DNAH1-related condition. Last evaluated: 2022-12-15. Review status: no assertion criteria provided. Collection method: clinical testing. Allele origin: germline. Not counted in ClinVar's aggregate classification.
Comment: This variant is classified as likely benign based on ACMG/AMP sequence variant interpretation guidelines (Richards et al. 2015 PMID: 25741868, with internal and published modifications).

NM_015512.5(DNAH1):c.10052+10C>G

Gene: DNAH1 (dynein axonemal heavy chain 1; plus strand). Cytogenetic location: 3p21.1.
Variant type: single nucleotide variant.
Coding change: c.10052+10C>G on transcript NM_015512.5 (MANE Select); 10 bases into the intron after coding-DNA position 10052, C replaced by G.
Molecular consequence: intron variant.
Genome position (GRCh38, 1-based): chr3:52,391,613, C>G. VCF-style: chr3-52391613-C-G. GRCh37 (hg19) VCF-style: chr3-52425629-C-G.
Identifiers: ClinVar variation 731476 (VCV000731476.11), dbSNP rs368865494, ClinGen allele CA2435683.